The following is an entry in ClinVar:

ClinVar aggregate classification (germline): Conflicting classifications of pathogenicity. Review status: criteria provided, conflicting classifications (1 of 4 stars). 7 submissions from 7 submitters: Uncertain significance (1); Benign (2); Likely benign (4). Last evaluated 2026-08-01.

Conditions:
Inborn genetic diseases. Identifiers: MedGen C0950123, MeSH D030342.
Kufor-Rakeb syndrome (KRS). Also called: PARKINSON DISEASE 9, AUTOSOMAL RECESSIVE, JUVENILE-ONSET. Identifiers: Orphanet 306674, Orphanet 314632, MedGen C1847640, MONDO:0011706, OMIM 606693.
Autosomal recessive spastic paraplegia type 78. Identifiers: Orphanet 513436, MedGen C5567893, MONDO:0014975, OMIM 617225.

Allele frequency attached by ClinVar (database versions not stated): 1000 Genomes Project 30x 0.00062; 1000 Genomes Project 0.00080; TOPMed 0.00222; gnomAD 0.00224 and 0.00228; gnomAD exomes 0.00231; ExAC 0.00256; ESP Exome Variant Server 0.00261.
gnomAD v4.1: 5,461 of 1,612,672 alleles (0.34%); highest among the groups gnomAD compares: Non-Finnish European, 0.42%; 20 homozygotes.

Submissions (7):

CeGaT Center for Human Genetics Tuebingen
Classification: Likely benign. Last evaluated: 2026-08-01. Review status: criteria provided, single submitter. Criteria: CeGaT Center For Human Genetics Tuebingen Variant Classification Criteria Version 2. Collection method: clinical testing. Allele origin: germline. Affected: yes. Observed: 25 variant alleles.
Comment: ATP13A2: BP4, BP7, BS2

Labcorp Genetics (formerly Invitae), Labcorp
Classification: Benign for Kufor-Rakeb syndrome; Autosomal recessive spastic paraplegia type 78. Last evaluated: 2026-02-01. Review status: criteria provided, single submitter. Criteria: Invitae Variant Classification Sherloc (09022015). Collection method: clinical testing. Allele origin: germline.

Athena Diagnostics
Classification: Benign. Last evaluated: 2025-06-05. Review status: criteria provided, single submitter. Criteria: Athena Diagnostics Criteria. Collection method: clinical testing. Allele origin: unknown.
Comment: The frequency of this variant in the general population is higher than would generally be expected for pathogenic variants in this gene. Computational tools yielded predictions that this variant is unlikely to have an effect on normal RNA splicing. This nucleotide position exhibits low evolutionary conservation.

Blueprint Genetics
Classification: Likely benign. Last evaluated: 2024-11-20. Review status: criteria provided, single submitter. Criteria: ACMG Guidelines, 2015. Collection method: clinical testing. Allele origin: germline.

GeneDx
Classification: Likely benign. Last evaluated: 2020-03-06. Review status: criteria provided, single submitter. Criteria: GeneDx Variant Classification Process June 2021. Collection method: clinical testing. Allele origin: germline. Affected: yes.

Illumina Laboratory Services, Illumina
Classification: Uncertain significance for Kufor-Rakeb syndrome. Last evaluated: 2017-04-27. Review status: criteria provided, single submitter. Criteria: ICSL Variant Classification Criteria 13 December 2019. Collection method: clinical testing. Allele origin: germline.
Comment: This variant was observed as part of a predisposition screen in an ostensibly healthy population. A literature search was performed for the gene, cDNA change, and amino acid change (where applicable). Publications were found based on this search. However, the evidence from the literature, in combination with allele frequency data from public databases where available, was not sufficient to rule this variant in or out of causing disease. Therefore, this variant is classified as a variant of unknown significance.

Ambry Genetics
Classification: Likely benign for Inborn genetic diseases. Last evaluated: 2016-06-02. Review status: criteria provided, single submitter. Criteria: Ambry Variant Classification Scheme 2023. Collection method: clinical testing. Allele origin: germline.

Literature cited by the submitters: PubMed 22743658 (cited by Athena Diagnostics and Illumina Laboratory Services, Illumina).

NM_022089.4(ATP13A2):c.3342C>T (p.Thr1114=)

Gene: ATP13A2 (ATPase cation transporting 13A2; minus strand). Cytogenetic location: 1p36.13.
Variant type: single nucleotide variant.
Coding change: c.3342C>T on transcript NM_022089.4 (MANE Select); coding-DNA position 3342, C replaced by T.
Protein change: p.Thr1114=; no amino-acid change (threonine 1114 retained).
Molecular consequence: synonymous variant. On other transcripts: intron variant (1).
Genome position (GRCh38, 1-based): chr1:16,986,526, G>A on the plus strand (C>T on the coding strand, the complement: ATP13A2 is on the minus strand). VCF-style: chr1-16986526-G-A. GRCh37 (hg19) VCF-style: chr1-17313021-G-A.
Other names: c.3327C>T, p.Thr1109= (NM_001141973.3); c.3104-168C>T (NM_001141974.3).
Identifiers: ClinVar variation 588527 (VCV000588527.94), dbSNP rs115985012, ClinGen allele CA636521.
Genomic context (GRCh38, chr1:16,986,526, plus strand): 5'-CAGCATGAAGGCCCCCACGAAGTTGAGGGTGACCAGACCCAGCAGCAGCAGCTTGAAGCC[G>A]GTGTCAGTGATGTTCCTCAGCGCCAGCGGCCCCTGCAGGAGGCCGGGGACCAGGACAAGG-3'
Protein context (NP_071372.1, residues 1104-1124): GPLALRNITD[Thr1114=]GFKLLLLGLV